The following is an entry in ClinVar:

ClinVar aggregate classification (germline): Uncertain significance (1 of 4 stars; one submission).

gnomAD v4.1: 3 of 1,613,986 alleles (0.00019%); highest among the groups gnomAD compares: Middle Eastern, 0.016%; no homozygotes.

Submission:

GeneDx
Classification: Uncertain significance. Last evaluated: 2020-01-20. Review status: criteria provided, single submitter. Criteria: GeneDx Variant Classification Process June 2021. Collection method: clinical testing. Allele origin: germline. Affected: yes.
Comment: Not observed in large population cohorts (Lek et al., 2016); In silico analysis, which includes protein predictors and evolutionary conservation, supports that this variant does not alter protein structure/function; Has not been previously published as pathogenic or benign to our knowledge

NM_001197104.2(KMT2A):c.6737T>A (p.Val2246Asp)

Gene: KMT2A (lysine methyltransferase 2A; plus strand). Cytogenetic location: 11q23.3.
Variant type: single nucleotide variant.
Coding change: c.6737T>A on transcript NM_001197104.2 (MANE Select); coding-DNA position 6737, T replaced by A.
Protein change: p.Val2246Asp; replaces valine 2246 with aspartic acid.
Molecular consequence: missense variant.
Genome position (GRCh38, 1-based): chr11:118,502,629, T>A. VCF-style: chr11-118502629-T-A. GRCh37 (hg19) VCF-style: chr11-118373344-T-A.
Other names: c.6728T>A, p.Val2243Asp (NM_005933.4); short protein forms V2243D, V2246D.
Identifiers: ClinVar variation 1308821 (VCV001308821.2), dbSNP rs139450035, ClinGen allele CA382802874.